The following is an entry in ClinVar:

ClinVar aggregate classification (germline): Conflicting classifications of pathogenicity. Review status: criteria provided, conflicting classifications (1 of 4 stars). 10 submissions from 10 submitters: Uncertain significance (1); Benign (3); Likely benign (5). 1 of the submissions does not count toward it. Last evaluated 2026-02-02.

Conditions:
SPTAN1-related disorder. Also called: SPTAN1-related disorders; SPTAN1-related condition.
Early-infantile DEE. Also called: Ohtahara syndrome; Early infantile epileptic encephalopathy with suppression bursts; Early infantile epileptic encephalopathy. Identifiers: Orphanet 1934, MedGen C0393706, MONDO:0800491.
Inborn genetic diseases. Identifiers: MedGen C0950123, MeSH D030342.
Developmental and epileptic encephalopathy, 5 (DEE5). Identifiers: Orphanet 3451, MedGen C3150731, MONDO:0013277, OMIM 613477.

Allele frequency attached by ClinVar (database versions not stated): ESP Exome Variant Server 0.00062; TOPMed 0.00078; 1000 Genomes Project 0.00080; 1000 Genomes Project 30x 0.00109.
gnomAD v4.1: 195 of 1,613,906 alleles (0.012%); highest among the groups gnomAD compares: African/African-American, 0.23%; no homozygotes.

Submissions (10):

Labcorp Genetics (formerly Invitae), Labcorp
Classification: Benign for Early-infantile DEE. Last evaluated: 2026-02-02. Review status: criteria provided, single submitter. Criteria: Invitae Variant Classification Sherloc (09022015). Collection method: clinical testing. Allele origin: germline.

CeGaT Center for Human Genetics Tuebingen
Classification: Likely benign. Last evaluated: 2026-01-01. Review status: criteria provided, single submitter. Criteria: CeGaT Center For Human Genetics Tuebingen Variant Classification Criteria Version 2. Collection method: clinical testing. Allele origin: germline. Affected: yes. Observed: 1 variant allele.
Comment: SPTAN1: BP4, BP7, BS1

Blueprint Genetics
Classification: Likely benign. Last evaluated: 2024-06-19. Review status: criteria provided, single submitter. Criteria: ACMG Guidelines, 2015. Collection method: clinical testing. Allele origin: germline.

GeneDx
Classification: Likely benign. Last evaluated: 2021-10-09. Review status: criteria provided, single submitter. Criteria: GeneDx Variant Classification Process June 2021. Collection method: clinical testing. Allele origin: germline. Affected: yes.

Genome-Nilou Lab
Classification: Benign for Developmental and epileptic encephalopathy, 5. Last evaluated: 2021-07-15. Review status: criteria provided, single submitter. Criteria: ACMG Guidelines, 2015. Collection method: clinical testing. Allele origin: germline. Affected: no.

Athena Diagnostics
Classification: Benign. Last evaluated: 2018-08-08. Review status: criteria provided, single submitter. Criteria: Athena Diagnostics Criteria. Collection method: clinical testing. Allele origin: germline.

Eurofins Ntd Llc (ga)
Classification: Likely benign. Last evaluated: 2018-03-29. Review status: criteria provided, single submitter. Criteria: EGL ClinVar v180209 classification definitions. Collection method: clinical testing. Allele origin: germline. Observed: 1 variant allele, 1 heterozygote.

Ambry Genetics
Classification: Likely benign for Inborn genetic diseases. Last evaluated: 2017-01-17. Review status: criteria provided, single submitter. Criteria: Ambry Variant Classification Scheme 2023. Collection method: clinical testing. Allele origin: germline.

Genetic Services Laboratory, University of Chicago
Classification: Uncertain significance for Epileptic encephalopathy, early infantile, 5. Last evaluated: 2013-03-04. Review status: criteria provided, single submitter. Criteria: ACMG Guidelines, 2007. Collection method: clinical testing. Allele origin: germline. Inheritance: Autosomal dominant inheritance.

PreventionGenetics, part of Exact Sciences
Classification: Likely benign for SPTAN1-related condition. Last evaluated: 2024-06-28. Review status: no assertion criteria provided. Collection method: clinical testing. Allele origin: germline. Not counted in ClinVar's aggregate classification.
Comment: This variant is classified as likely benign based on ACMG/AMP sequence variant interpretation guidelines (Richards et al. 2015 PMID: 25741868, with internal and published modifications).

NM_001130438.3(SPTAN1):c.6498C>A (p.Arg2166=)

Gene: SPTAN1 (spectrin alpha, non-erythrocytic 1; plus strand). Cytogenetic location: 9q34.11.
Variant type: single nucleotide variant.
Coding change: c.6498C>A on transcript NM_001130438.3 (MANE Select); coding-DNA position 6498, C replaced by A.
Protein change: p.Arg2166=; no amino-acid change (arginine 2166 retained).
Molecular consequence: synonymous variant.
Genome position (GRCh38, 1-based): chr9:128,626,609, C>A. VCF-style: chr9-128626609-C-A. GRCh37 (hg19) VCF-style: chr9-131388888-C-A.
Other names: c.6423C>A, p.Arg2141= (NM_001195532.2); c.6498C>A, p.Arg2166= (NM_001363759.2); c.6438C>A, p.Arg2146= (NM_001363765.2); c.6483C>A, p.Arg2161= (NM_003127.4).
Identifiers: ClinVar variation 160022 (VCV000160022.35), dbSNP rs72758823, ClinGen allele CA173589.